The following is an entry in ClinVar:

ClinVar aggregate classification (germline): Pathogenic (1 of 4 stars; one submission).

Conditions:
Marfan syndrome (MFS). Also called: Marfan syndrome type 1; Marfan's syndrome; FBN1-Related Marfan Syndrome; MARFAN SYNDROME, TYPE I; Marfan syndrome, classic. Identifiers: Orphanet 284963, Orphanet 558, MedGen C0024796, MONDO:0007947, OMIM 154700.

Submission:

Centre of Medical Genetics, University of Antwerp
Classification: Pathogenic for Marfan syndrome. Last evaluated: 2021-03-01. Review status: criteria provided, single submitter. Criteria: Submitter's publication. Collection method: research. Allele origin: unknown. Affected: yes.
Comment: PM2, PVS1, PP4

NM_000138.5(FBN1):c.112A>T (p.Arg38Ter)

Gene: FBN1 (fibrillin 1; minus strand). Cytogenetic location: 15q21.1.
Variant type: single nucleotide variant.
Coding change: c.112A>T on transcript NM_000138.5 (MANE Select); coding-DNA position 112, A replaced by T.
Protein change: p.Arg38Ter; replaces arginine 38 with a stop codon.
Molecular consequence: nonsense.
Genome position (GRCh38, 1-based): chr15:48,644,658, T>A on the plus strand (A>T on the coding strand, the complement: FBN1 is on the minus strand). VCF-style: chr15-48644658-T-A. GRCh37 (hg19) VCF-style: chr15-48936855-T-A.
Other names: c.112A>T, p.Arg38Ter (NM_001406716.1, NM_001406717.1, NM_001406718.1); short protein forms R38*.
Identifiers: ClinVar variation 1325476 (VCV001325476.2), dbSNP rs1355716557, ClinGen allele CA392453622.